The following is an entry in ClinVar:

NM_001382241.1(TNPO2):c.107A>G (p.Lys36Arg)

Gene: TNPO2 (transportin 2; minus strand). Cytogenetic location: 19p13.13.
Variant type: single nucleotide variant.
Coding change: c.107A>G on transcript NM_001382241.1 (MANE Select); coding-DNA position 107, A replaced by G.
Protein change: p.Lys36Arg; replaces lysine 36 with arginine.
Molecular consequence: missense variant. On other transcripts: non-coding transcript variant (6).
Genome position (GRCh38, 1-based): chr19:12,719,329, T>C on the plus strand (A>G on the coding strand, the complement: TNPO2 is on the minus strand). VCF-style: chr19-12719329-T-C. GRCh37 (hg19) VCF-style: chr19-12830143-T-C.
Other names: c.107A>G, p.Lys36Arg (NM_001136195.2, NM_001136196.2, NM_001382236.1 and 7 more transcripts); short protein forms K36R.
Identifiers: ClinVar variation 2210547 (VCV002210547.3), dbSNP rs758877788, ClinGen allele CA9229425.
Genomic context (GRCh38, chr19:12,719,329, plus strand): 5'-TTGAGTCTGGTCAGGACGAAAATCAGGTAGTTGTTGAAGTCAGGAAACTGATTGAGTTGT[T>C]TGAGTTTCTGCCAGGCTGTTAAGGGACTTGGAAGACAGAGGCCTTCCCCCAGCCAGGTCC-3'
Protein context (NP_001369170.1, residues 26-46): ATQRIVQDKL[Lys36Arg]QLNQFPDFNN

ClinVar aggregate classification (germline): Uncertain significance. Review status: criteria provided, single submitter (1 of 4 stars). 2 submissions from 2 submitters: Uncertain significance (1). 1 of the submissions does not count toward it. Last evaluated 2022-09-14.

Conditions:
Inborn genetic diseases. Identifiers: MedGen C0950123, MeSH D030342.
TNPO2-related disorder. Also called: TNPO2-related condition.

Allele frequency attached by ClinVar (database versions not stated): ExAC 0.00001; gnomAD 0.00001; gnomAD exomes 0.00001; TOPMed 0.00002.
gnomAD v4.1: 14 of 1,613,776 alleles (0.00087%); highest among the groups gnomAD compares: Admixed American, 0.0033%; no homozygotes.

Submissions (2):

Ambry Genetics
Classification: Uncertain significance for Inborn genetic diseases. Last evaluated: 2022-09-14. Review status: criteria provided, single submitter. Criteria: Ambry Variant Classification Scheme 2023. Collection method: clinical testing. Allele origin: germline.

PreventionGenetics, part of Exact Sciences
Classification: Uncertain significance for TNPO2-related condition. Last evaluated: 2024-05-08. Review status: no assertion criteria provided. Collection method: clinical testing. Allele origin: germline. Not counted in ClinVar's aggregate classification.
Comment: The TNPO2 c.107A>G variant is predicted to result in the amino acid substitution p.Lys36Arg. To our knowledge, this variant has not been reported in the literature. This variant is reported in 0.0058% of alleles in individuals of Latino descent in gnomAD. At this time, the clinical significance of this variant is uncertain due to the absence of conclusive functional and genetic evidence.